The following is an entry in ClinVar:

ClinVar aggregate classification (germline): Benign/Likely benign. Review status: criteria provided, multiple submitters, no conflicts (2 of 4 stars). 2 submissions from 2 submitters: Benign (1); Likely benign (1). Last evaluated 2024-10-09.

Conditions:
Familial cancer of breast. Also called: BREAST CANCER, FAMILIAL; hereditary breast carcinoma; Hereditary breast cancer. Identifiers: Orphanet 227535, MedGen C0346153, MONDO:0016419, OMIM 114480. Disease mechanism: loss of function.

Submissions (2):

Myriad Genetics, Inc.
Classification: Benign for Familial cancer of breast. Last evaluated: 2024-10-09. Review status: criteria provided, single submitter. Criteria: Myriad Autosomal Dominant, Autosomal Recessive and X-Linked Classification Criteria (2023). Collection method: clinical testing. Allele origin: unknown.
Comment: This variant is considered benign. This variant is a silent/synonymous amino acid change and it is not expected to impact splicing.

Labcorp Genetics (formerly Invitae), Labcorp
Classification: Likely benign for Familial cancer of breast. Last evaluated: 2018-08-12. Review status: criteria provided, single submitter. Criteria: Invitae Variant Classification Sherloc (09022015). Collection method: clinical testing. Allele origin: germline.

NM_007194.4(CHEK2):c.1587T>C (p.Gly529=)

Gene: CHEK2 (checkpoint kinase 2; minus strand). Cytogenetic location: 22q12.1.
Variant type: single nucleotide variant.
Coding change: c.1587T>C on transcript NM_007194.4 (MANE Select); coding-DNA position 1587, T replaced by C.
Protein change: p.Gly529=; no amino-acid change (glycine 529 retained).
Molecular consequence: synonymous variant.
Genome position (GRCh38, 1-based): chr22:28,687,942, A>G on the plus strand (T>C on the coding strand, the complement: CHEK2 is on the minus strand). VCF-style: chr22-28687942-A-G. GRCh37 (hg19) VCF-style: chr22-29083930-A-G.
Other names: c.1716T>C, p.Gly572= (NM_001005735.3); c.924T>C, p.Gly308= (NM_001257387.3); c.1386T>C, p.Gly462= (NM_001349956.3); c.1500T>C, p.Gly500= (NM_145862.3).
Identifiers: ClinVar variation 765551 (VCV000765551.11), dbSNP rs1601697668, ClinGen allele CA513944659.
Genomic context (GRCh38, chr22:28,687,942, plus strand): 5'-TTCAAACCACGGAGTTCACAACACAGCAGCACACACAGCTGGGCGCTTTGTGGTCTCGGC[A>G]CCCTCGGCTTCCCCTTCACGGGGCCGCTTTCGACTAGTAGAAGGCTGAAAATAAAGGAAA-3'
Protein context (NP_009125.1, residues 519-539): RKRPREGEAE[Gly529=]AETTKRPAVC